The following is an entry in ClinVar:

ClinVar aggregate classification (germline): Uncertain significance. Review status: criteria provided, multiple submitters, no conflicts (2 of 4 stars). 2 submissions from 2 submitters: Uncertain significance (2). Last evaluated 2022-05-20.

Conditions:
Nephronophthisis 15 (NPHP15). Identifiers: Orphanet 3156, MedGen C3541853, MONDO:0013917, OMIM 614845.

Allele frequency attached by ClinVar (database versions not stated): gnomAD exomes below 0.00001.
gnomAD v4.1: 1 of 1,613,816 alleles (0.000062%); highest among the groups gnomAD compares: Non-Finnish European, 0.000085%; no homozygotes.

Submissions (2):

Labcorp Genetics (formerly Invitae), Labcorp
Classification: Uncertain significance for Nephronophthisis 15. Last evaluated: 2022-05-20. Review status: criteria provided, single submitter. Criteria: Invitae Variant Classification Sherloc (09022015). Collection method: clinical testing. Allele origin: germline.
Comment: Algorithms developed to predict the effect of missense changes on protein structure and function are either unavailable or do not agree on the potential impact of this missense change (SIFT: "Deleterious"; PolyPhen-2: "Probably Damaging"; Align-GVGD: "Class C0"). This variant is not present in population databases (gnomAD no frequency). This variant has not been reported in the literature in individuals affected with CEP164-related conditions. This sequence change replaces histidine, which is basic and polar, with arginine, which is basic and polar, at codon 895 of the CEP164 protein (p.His895Arg). In summary, the available evidence is currently insufficient to determine the role of this variant in disease. Therefore, it has been classified as a Variant of Uncertain Significance.

GeneDx
Classification: Uncertain significance. Last evaluated: 2022-04-29. Review status: criteria provided, single submitter. Criteria: GeneDx Variant Classification Process June 2021. Collection method: clinical testing. Allele origin: germline. Affected: yes.
Comment: Not observed at significant frequency in large population cohorts (gnomAD); In silico analysis supports that this missense variant has a deleterious effect on protein structure/function; Has not been previously published as pathogenic or benign to our knowledge

NM_014956.5(CEP164):c.2684A>G (p.His895Arg)

Gene: CEP164 (centrosomal protein 164; plus strand). Cytogenetic location: 11q23.3.
Variant type: single nucleotide variant.
Coding change: c.2684A>G on transcript NM_014956.5 (MANE Select); coding-DNA position 2684, A replaced by G.
Protein change: p.His895Arg; replaces histidine 895 with arginine.
Molecular consequence: missense variant.
Genome position (GRCh38, 1-based): chr11:117,394,417, A>G. VCF-style: chr11-117394417-A-G. GRCh37 (hg19) VCF-style: chr11-117265133-A-G.
Other names: c.2693A>G, p.His898Arg (NM_001271933.2); short protein forms H895R, H898R.
Identifiers: ClinVar variation 1712676 (VCV001712676.7), dbSNP rs1592382142, ClinGen allele CA382728142.
Genomic context (GRCh38, chr11:117,394,417, plus strand): 5'-AGCAGCGGGCTGAGCTTCTGGGGCACCTGACCGGAGAGCTGGAGCGCCTGCAGAGGGCCC[A>G]TGAACGAGAACTGGAGACTGTGAGGCAGGAGCAACACAAGCGTCTTGAGGACTTGCGGCG-3'
Protein context (NP_055771.4, residues 885-905): TGELERLQRA[His895Arg]ERELETVRQE